The following is an entry in ClinVar:

NM_006648.4(WNK2):c.1652A>T (p.Gln551Leu)

Gene: WNK2 (WNK lysine deficient protein kinase 2; plus strand). Cytogenetic location: 9q22.31.
Variant type: single nucleotide variant.
Coding change: c.1652A>T on transcript NM_006648.4 (MANE Select); coding-DNA position 1652, A replaced by T.
Protein change: p.Gln551Leu; replaces glutamine 551 with leucine.
Molecular consequence: missense variant.
Genome position (GRCh38, 1-based): chr9:93,247,652, A>T. VCF-style: chr9-93247652-A-T. GRCh37 (hg19) VCF-style: chr9-96009934-A-T.
Other names: c.1652A>T, p.Gln551Leu (NM_001282394.3); short protein forms Q551L.
Identifiers: ClinVar variation 4201552 (VCV004201552.1).

ClinVar aggregate classification (germline): Uncertain significance (1 of 4 stars; one submission).

Submission:

Ambry Genetics
Classification: Uncertain significance. Last evaluated: 2025-06-24. Review status: criteria provided, single submitter. Criteria: Ambry Variant Classification Scheme 2023. Collection method: clinical testing. Allele origin: germline.
Comment: The p.Q551L variant (also known as c.1652A>T), located in coding exon 7 of the WNK2 gene, results from an A to T substitution at nucleotide position 1652. The glutamine at codon 551 is replaced by leucine, an amino acid with dissimilar properties. This amino acid position is conserved. In addition, the in silico prediction for this alteration is inconclusive. Based on the available evidence, the clinical significance of this variant remains unclear.